The following is an entry in ClinVar:

ClinVar aggregate classification (germline): Uncertain significance (1 of 4 stars; one submission).

Allele frequency attached by ClinVar (database versions not stated): gnomAD exomes 0.00001 and 0.00003; ExAC 0.00003; gnomAD 0.00003; TOPMed 0.00006.
gnomAD v4.1: 19 of 1,613,742 alleles (0.0012%); highest among the groups gnomAD compares: East Asian, 0.016%; no homozygotes.

Submission:

Labcorp Genetics (formerly Invitae), Labcorp
Classification: Uncertain significance. Last evaluated: 2022-08-23. Review status: criteria provided, single submitter. Criteria: Invitae Variant Classification Sherloc (09022015). Collection method: clinical testing. Allele origin: germline.
Comment: This sequence change replaces serine, which is neutral and polar, with leucine, which is neutral and non-polar, at codon 1052 of the PCLO protein (p.Ser1052Leu). This variant is present in population databases (rs762919030, gnomAD 0.03%). This variant has not been reported in the literature in individuals affected with PCLO-related conditions. ClinVar contains an entry for this variant (Variation ID: 1374286). Algorithms developed to predict the effect of missense changes on protein structure and function are either unavailable or do not agree on the potential impact of this missense change (SIFT: "Tolerated"; PolyPhen-2: "Not Available"; Align-GVGD: "Class C0"). In summary, the available evidence is currently insufficient to determine the role of this variant in disease. Therefore, it has been classified as a Variant of Uncertain Significance.

NM_033026.6(PCLO):c.3155C>T (p.Ser1052Leu)

Gene: PCLO (piccolo presynaptic cytomatrix protein; minus strand). Cytogenetic location: 7q21.11.
Variant type: single nucleotide variant.
Coding change: c.3155C>T on transcript NM_033026.6 (MANE Select); coding-DNA position 3155, C replaced by T.
Protein change: p.Ser1052Leu; replaces serine 1052 with leucine.
Molecular consequence: missense variant.
Genome position (GRCh38, 1-based): chr7:83,134,395, G>A on the plus strand (C>T on the coding strand, the complement: PCLO is on the minus strand). VCF-style: chr7-83134395-G-A. GRCh37 (hg19) VCF-style: chr7-82763711-G-A.
Other names: c.3155C>T, p.Ser1052Leu (NM_014510.3); short protein forms S1052L.
Identifiers: ClinVar variation 1374286 (VCV001374286.5), dbSNP rs762919030, ClinGen allele CA4321134.
Genomic context (GRCh38, chr7:83,134,395, plus strand): 5'-TCCTTAGAACCTATGTTGAGTTCAGTTTTGCAGAGAGGACAGGTTGATTCTGGTTTGGGC[G>A]ATTTCTCCAGTTTTGTGGGAAGGACAGCCTTTTGAGGCTCAGCTGTTAAAGATTTGCTAT-3'
Protein context (NP_149015.2, residues 1042-1062): KAVLPTKLEK[Ser1052Leu]PKPESTCPLC